The following is an entry in ClinVar:

ClinVar aggregate classification (germline): Uncertain significance (1 of 4 stars; one submission).

Conditions:
Landau-Kleffner syndrome (FESD). Also called: APHASIA, ACQUIRED, WITH EPILEPSY; EPILEPSY, FOCAL, WITH SPEECH DISORDER AND WITH OR WITHOUT MENTAL RETARDATION. Identifiers: Orphanet 1945, Orphanet 725, Orphanet 98818, MedGen C0282512, MONDO:0009509, OMIM 245570.

Allele frequency attached by ClinVar (database versions not stated): TOPMed below 0.00001; gnomAD 0.00001.
gnomAD v4.1: 8 of 1,614,106 alleles (0.0005%); highest among the groups gnomAD compares: Non-Finnish European, 0.00068%; no homozygotes.

Submission:

Labcorp Genetics (formerly Invitae), Labcorp
Classification: Uncertain significance for Landau-Kleffner syndrome. Last evaluated: 2020-01-03. Review status: criteria provided, single submitter. Criteria: Invitae Variant Classification Sherloc (09022015). Collection method: clinical testing. Allele origin: germline.
Comment: In summary, the available evidence is currently insufficient to determine the role of this variant in disease. Therefore, it has been classified as a Variant of Uncertain Significance. Algorithms developed to predict the effect of missense changes on protein structure and function are either unavailable or do not agree on the potential impact of this missense change (SIFT: "Deleterious"; PolyPhen-2: "Possibly Damaging"; Align-GVGD: "Class C0"). This variant has not been reported in the literature in individuals with GRIN2A-related conditions. This variant is not present in population databases (ExAC no frequency). This sequence change replaces arginine with cysteine at codon 94 of the GRIN2A protein (p.Arg94Cys). The arginine residue is weakly conserved and there is a large physicochemical difference between arginine and cysteine.

NM_001134407.3(GRIN2A):c.280C>T (p.Arg94Cys)

Gene: GRIN2A (glutamate ionotropic receptor NMDA type subunit 2A; minus strand). Cytogenetic location: 16p13.2.
Variant type: single nucleotide variant.
Coding change: c.280C>T on transcript NM_001134407.3 (MANE Select); coding-DNA position 280, C replaced by T.
Protein change: p.Arg94Cys; replaces arginine 94 with cysteine.
Molecular consequence: missense variant.
Genome position (GRCh38, 1-based): chr16:10,180,132, G>A on the plus strand (C>T on the coding strand, the complement: GRIN2A is on the minus strand). VCF-style: chr16-10180132-G-A. GRCh37 (hg19) VCF-style: chr16-10273989-G-A.
Other names: c.280C>T, p.Arg94Cys (NM_000833.5, NM_001134408.2); short protein forms R94C.
Identifiers: ClinVar variation 1002346 (VCV001002346.12), dbSNP rs1282664179, ClinGen allele CA394715360.